The following is an entry in ClinVar:

ClinVar aggregate classification (germline): Conflicting classifications of pathogenicity. Review status: criteria provided, conflicting classifications (1 of 4 stars). 2 submissions from 2 submitters: Likely pathogenic (1); Uncertain significance (1). Last evaluated 2026-04-13.

Conditions:
Chuvash polycythemia. Also called: POLYCYTHEMIA, VHL-DEPENDENT. Identifiers: Orphanet 238557, MedGen C1837915, MONDO:0009892, OMIM 263400.
Von Hippel-Lindau syndrome (VHLS). Also called: Von Hippel-Lindau; von Hippel–Lindau syndrome; VHL syndrome. Identifiers: Orphanet 892, MedGen C0019562, MONDO:0008667, OMIM 193300. Disease mechanism: loss of function.
Hereditary cancer-predisposing syndrome. Also called: Tumor predisposition; Neoplastic Syndromes, Hereditary; Hereditary neoplastic syndrome; Hereditary Cancer Syndrome. Identifiers: Orphanet 140162, MedGen C0027672, MeSH D009386, MONDO:0015356.

Allele frequency attached by ClinVar (database versions not stated): gnomAD exomes 0.00001; TOPMed 0.00001; gnomAD 0.00001.

Submissions (2):

Ambry Genetics
Classification: Uncertain significance for Hereditary cancer-predisposing syndrome. Last evaluated: 2026-04-13. Review status: criteria provided, single submitter. Criteria: Ambry Variant Classification Scheme 2023. Collection method: clinical testing. Allele origin: germline.
Comment: The p.P192R variant (also known as c.575C>G), located in coding exon 3 of the VHL gene, results from a C to G substitution at nucleotide position 575. The proline at codon 192 is replaced by arginine, an amino acid with dissimilar properties. This variant was determined to be functionally neutral in one saturation genome editing assay (Buckley M et al. Nat Genet, 2024 Jul;56:1446-1455). This amino acid position is highly conserved in available vertebrate species. In addition, this alteration is predicted to be deleterious by in silico analysis. Based on the available evidence, the clinical significance of this variant remains unclear.

Labcorp Genetics (formerly Invitae), Labcorp
Classification: Likely pathogenic for Von Hippel-Lindau syndrome; Chuvash polycythemia. Last evaluated: 2023-01-02. Review status: criteria provided, single submitter. Criteria: Invitae Variant Classification Sherloc (09022015). Collection method: clinical testing. Allele origin: germline.
Comment: ClinVar contains an entry for this variant (Variation ID: 825946). This missense change has been observed in individual(s) with clinical features of von Hippel-Lindau syndrome (PMID: 19558618; Invitae). This variant is not present in population databases (gnomAD no frequency). This sequence change replaces proline, which is neutral and non-polar, with arginine, which is basic and polar, at codon 192 of the VHL protein (p.Pro192Arg). Advanced modeling of protein sequence and biophysical properties (such as structural, functional, and spatial information, amino acid conservation, physicochemical variation, residue mobility, and thermodynamic stability) performed at Invitae indicates that this missense variant is expected to disrupt VHL protein function. In summary, the currently available evidence indicates that the variant is pathogenic, but additional data are needed to prove that conclusively. Therefore, this variant has been classified as Likely Pathogenic. This variant disrupts the p.Pro192 amino acid residue in VHL. Other variant(s) that disrupt this residue have been observed in individuals with VHL-related conditions (PMID: 31397861; Invitae), which suggests that this may be a clinically significant amino acid residue.

Literature cited by the submitters: PubMed 38969834 (cited by Ambry Genetics); PubMed 19558618 (cited by Labcorp Genetics (formerly Invitae), Labcorp); PubMed 31397861 (cited by Labcorp Genetics (formerly Invitae), Labcorp).

NM_000551.4(VHL):c.575C>G (p.Pro192Arg)

Genes: VHL (von Hippel-Lindau tumor suppressor; plus strand), LOC107303340 (3p25 von Hippel-Lindau tumor suppressor, E3 ubiquitin protein ligase Alu-mediated recombination region; plus strand). Cytogenetic location: 3p25.3.
Variant type: single nucleotide variant.
Coding change: c.575C>G on transcript NM_000551.4 (MANE Select); coding-DNA position 575, C replaced by G.
Protein change: p.Pro192Arg; replaces proline 192 with arginine.
Molecular consequence: missense variant. On other transcripts: 3 prime UTR variant (1).
Genome position (GRCh38, 1-based): chr3:10,149,898, C>G. VCF-style: chr3-10149898-C-G. GRCh37 (hg19) VCF-style: chr3-10191582-C-G.
Other names: c.*129C>G (NM_001354723.2); c.452C>G, p.Pro151Arg (NM_198156.3); short protein forms P151R, P192R.
Identifiers: ClinVar variation 825946 (VCV000825946.14), dbSNP rs902694906, ClinGen allele CA70052552.